The following is an entry in ClinVar:

ClinVar aggregate classification (germline): Pathogenic (1 of 4 stars; one submission).

Submission:

Athena Diagnostics
Classification: Pathogenic. Last evaluated: 2019-01-07. Review status: criteria provided, single submitter. Criteria: Athena Diagnostics Criteria. Collection method: clinical testing. Allele origin: germline.
Comment: The variant disrupts a canonical splice site, and is therefore predicted to result in the loss of a functional protein. Found in at least one symptomatic patient, and not found in general population data.

NM_130837.3(OPA1):c.1035+2del

Gene: OPA1 (OPA1 mitochondrial dynamin like GTPase; plus strand). Cytogenetic location: 3q29.
Variant type: Deletion.
Coding change: c.1035+2del on transcript NM_130837.3 (MANE Select); the canonical splice donor site of the intron after coding-DNA position 1035, one base deleted (T; older notation c.1035+2delT).
Molecular consequence: splice donor variant.
Genome position (GRCh38, 1-based): chr3:193,637,283, T deleted. VCF-style (leftmost placement, unchanged base first): chr3-193637282-GT-G. GRCh37 (hg19) VCF-style: chr3-193355071-GT-G.
Other names: c.498+2del (NM_001354664.2); c.501+2del (NM_001354663.2); c.924+2del (NM_130834.3); c.981+2del (NM_130836.3); c.870+2del (NM_015560.3); c.927+2del (NM_130835.3); c.816+2del (NM_130832.3); c.873+2del (NM_130833.3); and 1 more.
Identifiers: ClinVar variation 805098 (VCV000805098.1), dbSNP rs1577226484, ClinGen allele CA915942986.